The following is an entry in ClinVar:

NM_000038.6(APC):c.*1556C>G

Gene: APC (APC regulator of Wnt signaling pathway; plus strand). Cytogenetic location: 5q22.2.
Variant type: single nucleotide variant.
Coding change: c.*1556C>G on transcript NM_000038.6 (MANE Select); 1556 bases downstream of the stop codon, C replaced by G.
Molecular consequence: 3 prime UTR variant.
Genome position (GRCh38, 1-based): chr5:112,845,682, C>G. VCF-style: chr5-112845682-C-G. GRCh37 (hg19) VCF-style: chr5-112181379-C-G.
Other names: c.*1556C>G (NM_001127510.3, NM_001127511.3, NM_001354895.2 and 11 more transcripts).
Identifiers: ClinVar variation 83262 (VCV000083262.6), dbSNP rs448475, ClinGen allele CA005321.
Genomic context (GRCh38, chr5:112,845,682, plus strand): 5'-GCCTGTTAAGGAAACTTTATTTGTGGTAGGTACAGTTCTGGGGTACATGTTAAGTGTCCC[C>G]TTATACAGTGGAGGGAAGTCTTCCTTCCTGAAGGAAAATAAACTGACACTTATTAACTAA-3'

ClinVar aggregate classification (germline): Benign. Review status: criteria provided, single submitter (1 of 4 stars). 2 submissions from 2 submitters: Benign (1). 1 of the submissions does not count toward it. Last evaluated 2018-01-13.

Conditions:
APC-Associated Polyposis Disorders.
Familial colorectal cancer. Identifiers: MedGen CN280943, MONDO:0023113. Disease mechanism: loss of function.

Allele frequency attached by ClinVar (database versions not stated): gnomAD 0.38933; TOPMed 0.40989; 1000 Genomes Project 30x 0.43848; 1000 Genomes Project 0.44189; gnomAD exomes 0.51753.
gnomAD v4.1: 102,714 of 231,660 alleles (44%); highest among the groups gnomAD compares: East Asian, 72%; 26,071 homozygotes.

Submissions (2):

Illumina Laboratory Services, Illumina
Classification: Benign for APC-Associated Polyposis Disorders. Last evaluated: 2018-01-13. Review status: criteria provided, single submitter. Criteria: ICSL Variant Classification Criteria 13 December 2019. Collection method: clinical testing. Allele origin: germline.
Comment: This variant was observed in the ICSL laboratory as part of a predisposition screen in an ostensibly healthy population. It had not been previously curated by ICSL or reported in the Human Gene Mutation Database (HGMD: prior to June 1st, 2018), and was therefore a candidate for classification through an automated scoring system. Utilizing variant allele frequency, disease prevalence and penetrance estimates, and inheritance mode, an automated score was calculated to assess if this variant is too frequent to cause the disease. Based on the score and internal cut-off values, a variant classified as benign is not then subjected to further curation. The score for this variant resulted in a classification of benign for this disease.

Systems Biology Platform Zhejiang California International NanoSystems Institute
Classification: other for Familial colorectal cancer. Review status: no assertion criteria provided. Collection method: not provided. Allele origin: unknown. Not counted in ClinVar's aggregate classification.
ClinVar note: Converted during submission from cancer to other.